The following is an entry in ClinVar:

ClinVar aggregate classification (germline): Benign/Likely benign. Review status: criteria provided, multiple submitters, no conflicts (2 of 4 stars). 2 submissions from 2 submitters: Benign (1); Likely benign (1). Last evaluated 2025-12-21.

Conditions:
Benign neonatal seizures. Also called: Benign neonatal familial convulsions; Benign familial neonatal epilepsy; Convulsions benign familial neonatal dominant form; Autosomal dominant form of benign neonatal seizures; Benign familial neonatal seizures. Identifiers: Orphanet 1949, MedGen C0220669, MONDO:0016027.

Allele frequency attached by ClinVar (database versions not stated): gnomAD exomes 0.00003; TOPMed 0.00004; ExAC 0.00005; gnomAD 0.00005 and 0.00006; ESP Exome Variant Server 0.00023.
gnomAD v4.1: 122 of 1,613,012 alleles (0.0076%); highest among the groups gnomAD compares: Non-Finnish European, 0.0096%; no homozygotes.

Submissions (2):

Labcorp Genetics (formerly Invitae), Labcorp
Classification: Likely benign for Benign neonatal seizures. Last evaluated: 2025-12-21. Review status: criteria provided, single submitter. Criteria: Invitae Variant Classification Sherloc (09022015). Collection method: clinical testing. Allele origin: germline.

GeneDx
Classification: Benign. Last evaluated: 2013-08-16. Review status: criteria provided, single submitter. Criteria: GeneDx Variant Classification (06012015). Collection method: clinical testing. Allele origin: germline. Affected: yes.
Comment: This variant is considered likely benign or benign based on one or more of the following criteria: it is a conservative change, it occurs at a poorly conserved position in the protein, it is predicted to be benign by multiple in silico algorithms, and/or has population frequency not consistent with disease.

NM_004519.4(KCNQ3):c.778-17A>C

Gene: KCNQ3 (potassium voltage-gated channel subfamily Q member 3; minus strand). Cytogenetic location: 8q24.22.
Variant type: single nucleotide variant.
Coding change: c.778-17A>C on transcript NM_004519.4 (MANE Select); 17 bases into the intron before coding-DNA position 778, A replaced by C.
Molecular consequence: intron variant.
Genome position (GRCh38, 1-based): chr8:132,175,625, T>G on the plus strand (A>C on the coding strand, the complement: KCNQ3 is on the minus strand). VCF-style: chr8-132175625-T-G. GRCh37 (hg19) VCF-style: chr8-133187872-T-G.
Other names: c.418-17A>C (NM_001204824.2).
Identifiers: ClinVar variation 138039 (VCV000138039.8), dbSNP rs373349894, ClinGen allele CA291831.